The following is an entry in ClinVar:

NM_014585.6(SLC40A1):c.524C>A (p.Ala175Asp)

Gene: SLC40A1 (solute carrier family 40 member 1; minus strand). Cytogenetic location: 2q32.2.
Variant type: single nucleotide variant.
Coding change: c.524C>A on transcript NM_014585.6 (MANE Select); coding-DNA position 524, C replaced by A.
Protein change: p.Ala175Asp; replaces alanine 175 with aspartic acid.
Molecular consequence: missense variant.
Genome position (GRCh38, 1-based): chr2:189,565,590, G>T on the plus strand (C>A on the coding strand, the complement: SLC40A1 is on the minus strand). VCF-style: chr2-189565590-G-T. GRCh37 (hg19) VCF-style: chr2-190430316-G-T.
Other names: short protein forms A175D.
Identifiers: ClinVar variation 406375 (VCV000406375.8), dbSNP rs1060501101, ClinGen allele CA16610617.

ClinVar aggregate classification (germline): Conflicting classifications of pathogenicity. Review status: criteria provided, conflicting classifications (1 of 4 stars). 2 submissions from 2 submitters: Likely pathogenic (1); Uncertain significance (1). Last evaluated 2026-06-04.

Conditions:
Increased circulating ferritin concentration. Also called: Increased serum ferritin. Identifiers: MedGen C0241013, HP:0003281.
Hemochromatosis type 4 (HFE4). Also called: HEMOCHROMATOSIS DUE TO DEFECT IN FERROPORTIN; HEMOCHROMATOSIS, AUTOSOMAL DOMINANT; Ferroportin disease. Identifiers: Orphanet 139491, Orphanet 647834, Orphanet 648562, MedGen C1853733, MONDO:0011631, OMIM 606069.

Submissions (2):

Clinical Genetics Laboratory, Skane University Hospital Lund
Classification: Uncertain significance for Increased circulating ferritin concentration. Last evaluated: 2026-06-04. Review status: criteria provided, single submitter. Criteria: ACMG Guidelines, 2015. Collection method: clinical testing. Allele origin: germline. Affected: yes.
Comment: ACMG criteria used: PS4_supporting, PM2, PP3

Labcorp Genetics (formerly Invitae), Labcorp
Classification: Likely pathogenic for Hemochromatosis type 4. Last evaluated: 2021-11-11. Review status: criteria provided, single submitter. Criteria: Invitae Variant Classification Sherloc (09022015). Collection method: clinical testing. Allele origin: germline.
Comment: This sequence change replaces alanine, which is neutral and non-polar, with aspartic acid, which is acidic and polar, at codon 175 of the SLC40A1 protein (p.Ala175Asp). This variant is not present in population databases (gnomAD no frequency). This missense change has been observed in individual(s) with clinical features of SLC40A1-related conditions (Invitae). It has also been observed to segregate with disease in related individuals. ClinVar contains an entry for this variant (Variation ID: 406375). Algorithms developed to predict the effect of missense changes on protein structure and function (SIFT, PolyPhen-2, Align-GVGD) all suggest that this variant is likely to be disruptive. In summary, the currently available evidence indicates that the variant is pathogenic, but additional data are needed to prove that conclusively. Therefore, this variant has been classified as Likely Pathogenic.